The following is an entry in ClinVar:

ClinVar aggregate classification (germline): Likely benign. Review status: criteria provided, multiple submitters, no conflicts (2 of 4 stars). 3 submissions from 3 submitters: Likely benign (2). 1 of the submissions does not count toward it. Last evaluated 2025-04-01.

Conditions:
FLT4-related disorder. Also called: FLT4-related condition.

Allele frequency attached by ClinVar (database versions not stated): 1000 Genomes Project 0.00120; 1000 Genomes Project 30x 0.00156; ESP Exome Variant Server 0.00277.
gnomAD v4.1: 758 of 1,612,806 alleles (0.047%); highest among the groups gnomAD compares: African/African-American, 0.91%; 4 homozygotes.

Submissions (3):

CeGaT Center for Human Genetics Tuebingen
Classification: Likely benign. Last evaluated: 2025-04-01. Review status: criteria provided, single submitter. Criteria: CeGaT Center For Human Genetics Tuebingen Variant Classification Criteria Version 2. Collection method: clinical testing. Allele origin: germline. Affected: yes. Observed: 1 variant allele.
Comment: FLT4: BP4, BS1

Blueprint Genetics
Classification: Likely benign. Last evaluated: 2024-09-23. Review status: criteria provided, single submitter. Criteria: ACMG Guidelines, 2015. Collection method: clinical testing. Allele origin: germline.

PreventionGenetics, part of Exact Sciences
Classification: Benign for FLT4-related condition. Last evaluated: 2020-10-06. Review status: no assertion criteria provided. Collection method: clinical testing. Allele origin: germline. Not counted in ClinVar's aggregate classification.
Comment: This variant is classified as benign based on ACMG/AMP sequence variant interpretation guidelines (Richards et al. 2015 PMID: 25741868, with internal and published modifications).

NM_182925.5(FLT4):c.2059C>G (p.Leu687Val)

Gene: FLT4 (fms related receptor tyrosine kinase 4; minus strand). Cytogenetic location: 5q35.3.
Variant type: single nucleotide variant.
Coding change: c.2059C>G on transcript NM_182925.5 (MANE Select); coding-DNA position 2059, C replaced by G.
Protein change: p.Leu687Val; replaces leucine 687 with valine.
Molecular consequence: missense variant.
Genome position (GRCh38, 1-based): chr5:180,621,214, G>C on the plus strand (C>G on the coding strand, the complement: FLT4 is on the minus strand). VCF-style: chr5-180621214-G-C. GRCh37 (hg19) VCF-style: chr5-180048214-G-C.
Other names: c.2059C>G, p.Leu687Val (NM_001354989.2, NM_002020.5); short protein forms L687V.
Identifiers: ClinVar variation 3052448 (VCV003052448.10), dbSNP rs139399208, ClinGen allele CA3606512.